The following is an entry in ClinVar:

ClinVar aggregate classification (germline): Uncertain significance (1 of 4 stars; one submission).

Submission:

Laboratorio de Genetica e Diagnostico Molecular, Hospital Israelita Albert Einstein
Classification: Uncertain significance. Last evaluated: 2020-06-18. Review status: criteria provided, single submitter. Criteria: ACMG Guidelines, 2015. Collection method: clinical testing. Allele origin: germline. Affected: yes.
Comment: ACMG classification criteria: PM2

NM_032776.3(JMJD1C):c.843A>T (p.Gln281His)

Gene: JMJD1C (jumonji domain containing 1C; minus strand). Cytogenetic location: 10q21.3.
Variant type: single nucleotide variant.
Coding change: c.843A>T on transcript NM_032776.3 (MANE Select); coding-DNA position 843, A replaced by T.
Protein change: p.Gln281His; replaces glutamine 281 with histidine.
Molecular consequence: missense variant. On other transcripts: 5 prime UTR variant (1), non-coding transcript variant (1).
Genome position (GRCh38, 1-based): chr10:63,215,435, T>A on the plus strand (A>T on the coding strand, the complement: JMJD1C is on the minus strand). VCF-style: chr10-63215435-T-A. GRCh37 (hg19) VCF-style: chr10-64975195-T-A.
Other names: c.297A>T, p.Gln99His (NM_001282948.2, NM_001318154.2); c.-22A>T (NM_001318153.2); c.729A>T, p.Gln243His (NM_001322252.2); c.186A>T, p.Gln62His (NM_001322254.2, NM_001322258.2); short protein forms Q243H, Q281H, Q62H, Q99H.
Identifiers: ClinVar variation 1690898 (VCV001690898.2), dbSNP rs2133231988, ClinGen allele CA377051597.